The following is an entry in ClinVar:

NM_001008537.3(NEXMIF):c.2626C>T (p.His876Tyr)

Gene: NEXMIF (neurite extension and migration factor; minus strand). Cytogenetic location: Xq13.3.
Variant type: single nucleotide variant.
Coding change: c.2626C>T on transcript NM_001008537.3 (MANE Select); coding-DNA position 2626, C replaced by T.
Protein change: p.His876Tyr; replaces histidine 876 with tyrosine.
Molecular consequence: missense variant.
Genome position (GRCh38, 1-based): chrX:74,741,931, G>A on the plus strand (C>T on the coding strand, the complement: NEXMIF is on the minus strand). VCF-style: chrX-74741931-G-A. GRCh37 (hg19) VCF-style: chrX-73961766-G-A.
Other names: short protein forms H876Y.
Identifiers: ClinVar variation 1315427 (VCV001315427.3), dbSNP rs2147440074, ClinGen allele CA413667805.

ClinVar aggregate classification (germline): Uncertain significance (1 of 4 stars; one submission).

Submission:

GeneDx
Classification: Uncertain significance. Last evaluated: 2025-07-08. Review status: criteria provided, single submitter. Criteria: GeneDx Variant Classification Process June 2021. Collection method: clinical testing. Allele origin: germline. Affected: yes.
Comment: Not observed at significant frequency in large population cohorts (gnomAD); In silico analysis suggests that this missense variant does not alter protein structure/function; Has not been previously published as pathogenic or benign to our knowledge